The following is an entry in ClinVar:

ClinVar aggregate classification (germline): Uncertain significance (1 of 4 stars; one submission).

Conditions:
Immunodeficiency 28 (IMD28). Also called: IFNGR2 DEFICIENCY. Identifiers: Orphanet 319547, Orphanet 319574, MedGen C4013947, MONDO:0013953, OMIM 614889.

Allele frequency attached by ClinVar (database versions not stated): gnomAD exomes 0.00002 and 0.00011; ExAC 0.00003; gnomAD 0.00005 and 0.00006; TOPMed 0.00005; ESP Exome Variant Server 0.00015.
gnomAD v4.1: 162 of 1,608,408 alleles (0.01%); highest among the groups gnomAD compares: Middle Eastern, 0.033%; no homozygotes.

Submissions (2):

Labcorp Genetics (formerly Invitae), Labcorp
Classification: Uncertain significance for Immunodeficiency 28. Last evaluated: 2022-07-01. Review status: criteria provided, single submitter. Criteria: Invitae Variant Classification Sherloc (09022015). Collection method: clinical testing. Allele origin: germline.
Comment: This sequence change falls in intron 6 of the IFNGR2 gene. It does not directly change the encoded amino acid sequence of the IFNGR2 protein. It affects a nucleotide within the consensus splice site. The frequency data for this variant in the population databases is considered unreliable, as metrics indicate poor data quality at this position in the gnomAD database. This variant has not been reported in the literature in individuals affected with IFNGR2-related conditions. ClinVar contains an entry for this variant (Variation ID: 1409659). Variants that disrupt the consensus splice site are a relatively common cause of aberrant splicing (PMID: 17576681, 9536098). Algorithms developed to predict the effect of sequence changes on RNA splicing suggest that this variant may disrupt the consensus splice site. In summary, the available evidence is currently insufficient to determine the role of this variant in disease. Therefore, it has been classified as a Variant of Uncertain Significance.

Dr. Peter K. Rogan Lab, Western University
No classification provided (evidence only). Condition: Uterine corpus endometrial carcinoma. Review status: no classification provided. Collection method: in vitro. Allele origin: not applicable. Functional consequence: retained intron. Not counted in ClinVar's aggregate classification.

Literature cited by the submitters: PubMed 17576681 (cited by Labcorp Genetics (formerly Invitae), Labcorp); PubMed 9536098 (cited by Labcorp Genetics (formerly Invitae), Labcorp).

NM_005534.4(IFNGR2):c.879+5G>A

Genes: IFNGR2 (interferon gamma receptor 2; plus strand), TMEM50B (transmembrane protein 50B; minus strand). Cytogenetic location: 21q22.11.
Variant type: single nucleotide variant.
Coding change: c.879+5G>A on transcript NM_005534.4 (MANE Select); 5 bases into the intron after coding-DNA position 879, G replaced by A.
Molecular consequence: intron variant.
Genome position (GRCh38, 1-based): chr21:33,432,876, G>A. VCF-style: chr21-33432876-G-A. GRCh37 (hg19) VCF-style: chr21-34805183-G-A.
Other names: c.936+5G>A (NM_001329128.2).
Identifiers: ClinVar variation 1409659 (VCV001409659.4), dbSNP rs375538161, ClinGen allele CA10007029.